The following is an entry in ClinVar:

NM_003128.3(SPTBN1):c.2338C>T (p.Gln780Ter)

Gene: SPTBN1 (spectrin beta, non-erythrocytic 1; plus strand). Cytogenetic location: 2p16.2.
Variant type: single nucleotide variant.
Coding change: c.2338C>T on transcript NM_003128.3 (MANE Select); coding-DNA position 2338, C replaced by T.
Protein change: p.Gln780Ter; replaces glutamine 780 with a stop codon.
Molecular consequence: nonsense.
Genome position (GRCh38, 1-based): chr2:54,629,472, C>T. VCF-style: chr2-54629472-C-T. GRCh37 (hg19) VCF-style: chr2-54856609-C-T.
Other names: c.2299C>T, p.Gln767Ter (NM_178313.3); short protein forms Q767*, Q780*.
Identifiers: ClinVar variation 1315910 (VCV001315910.2), dbSNP rs1558445670, ClinGen allele CA346881705.

ClinVar aggregate classification (germline): Uncertain significance (1 of 4 stars; one submission).

Submission:

GeneDx
Classification: Uncertain significance. Last evaluated: 2019-11-14. Review status: criteria provided, single submitter. Criteria: GeneDx Variant Classification Process June 2021. Collection method: clinical testing. Allele origin: germline. Affected: yes.
Comment: Not observed in large population cohorts (Lek et al., 2016); Nonsense variant predicted to result in protein truncation or nonsense mediated decay in a gene for which loss-of-function is not a known mechanism of disease; Has not been previously published as pathogenic or benign to our knowledge; Variants in candidate genes are classified as variants of uncertain significance in accordance with ACMG guidelines (Richards et al., 2015)